The following is an entry in ClinVar:

ClinVar aggregate classification (germline): Likely pathogenic (1 of 4 stars; one submission).

Conditions:
Neuronal ceroid lipofuscinosis 13 (CLN13). Also called: CLN13 Disease; CEROID LIPOFUSCINOSIS, NEURONAL, 13 (KUFS TYPE). Identifiers: Orphanet 352709, Orphanet 79262, MedGen C3715049, MONDO:0014147, OMIM 615362.

Submission:

Juno Genomics, Hangzhou Juno Genomics, Inc
Classification: Likely pathogenic for Neuronal ceroid lipofuscinosis 13. Review status: criteria provided, single submitter. Criteria: ACMG Guidelines, 2015. Collection method: clinical testing. Allele origin: germline.
Comment: Absent from controls (or at extremely low frequency if recessive) in Genome Aggregation Database.;Multiple lines of computational evidence support a deleterious effect on the gene or gene product.;For recessive disorders, detected in trans with a pathogenic variant.

NM_003793.4(CTSF):c.977G>T (p.Cys326Phe)

Gene: CTSF (cathepsin F; minus strand). Cytogenetic location: 11q13.2.
Variant type: single nucleotide variant.
Coding change: c.977G>T on transcript NM_003793.4 (MANE Select); coding-DNA position 977, G replaced by T.
Protein change: p.Cys326Phe; replaces cysteine 326 with phenylalanine.
Molecular consequence: missense variant.
Genome position (GRCh38, 1-based): chr11:66,565,739, C>A on the plus strand (G>T on the coding strand, the complement: CTSF is on the minus strand). VCF-style: chr11-66565739-C-A. GRCh37 (hg19) VCF-style: chr11-66333210-C-A.
Other names: short protein forms C326F.
Identifiers: ClinVar variation 5019583 (VCV005019583.2).
Genomic context (GRCh38, chr11:66,565,739, plus strand): 5'-TTTATGGCCGAGTAGGCATTGGAGGGCAAGCCGCCCATGCAGGCCTTGTCCATCTTGTCA[C>A]AGTCCAAGAGCTCTAGGAGACAGAAGGCTGGTCCCAAGAAGCCCTCCTGAGGGGCTAGGC-3'
Protein context (NP_003784.2, residues 316-336): LSLSEQELLD[Cys326Phe]DKMDKACMGG